The following is an entry in ClinVar:

NM_001374736.1(DST):c.15309T>A (p.Phe5103Leu)

Gene: DST (dystonin; minus strand). Cytogenetic location: 6p12.1.
Variant type: single nucleotide variant.
Coding change: c.15309T>A on transcript NM_001374736.1 (MANE Select); coding-DNA position 15309, T replaced by A.
Protein change: p.Phe5103Leu; replaces phenylalanine 5103 with leucine.
Molecular consequence: missense variant.
Genome position (GRCh38, 1-based): chr6:56,553,483, A>T on the plus strand (T>A on the coding strand, the complement: DST is on the minus strand). VCF-style: chr6-56553483-A-T. GRCh37 (hg19) VCF-style: chr6-56418281-A-T.
Other names: c.8952T>A, p.Phe2984Leu (NM_001144769.5); c.8538T>A, p.Phe2846Leu (NM_001144770.2); c.15309T>A, p.Phe5103Leu (NM_001374722.1); c.14676T>A, p.Phe4892Leu (NM_001374729.1); c.8418T>A, p.Phe2806Leu (NM_001374730.1, NM_001386100.1, NM_183380.4); c.15336T>A, p.Phe5112Leu (NM_001374734.1); c.7440T>A, p.Phe2480Leu (NM_015548.5); short protein forms F2480L, F2984L, F2806L, F2846L, F4892L, F5103L, F5112L.
Identifiers: ClinVar variation 522340 (VCV000522340.61), dbSNP rs191081991, ClinGen allele CA3867837.
Genomic context (GRCh38, chr6:56,553,483, plus strand): 5'-ATTTTCACCTTCTGCAATGGTTTTTTCATACATATGAGACTGAGCGGTCAAAGTTTTACT[A>T]AAGTCTTTATGATCTTTAATTAATGACTCCAAGACATCGAGTTTGGCAGATATTGGATGA-3'
Protein context (NP_001361665.1, residues 5093-5113): LESLIKDHKD[Phe5103Leu]SKTLTAQSHM

ClinVar aggregate classification (germline): Conflicting classifications of pathogenicity. Review status: criteria provided, conflicting classifications (1 of 4 stars). 9 submissions from 9 submitters: Uncertain significance (4); Likely benign (4). 1 of the submissions does not count toward it. Last evaluated 2026-08-14.

Conditions:
Epidermolysis bullosa simplex 3, localized or generalized intermediate, with BP230 deficiency (EBS3). Also called: Epidermolysis bullosa simplex, autosomal recessive 2; Epidermolysis bullosa simplex due to BP230 deficiency. Identifiers: Orphanet 412181, MedGen C3809470, MONDO:0014180, OMIM 615425.
Hereditary sensory and autonomic neuropathy type 6. Also called: Neuropathy, hereditary sensory and autonomic, type VI; HSAN VI. Identifiers: Orphanet 314381, MedGen C3539003, MONDO:0013839, OMIM 614653.
DST-related disorder. Also called: DST-related condition; DST-related disorders.
Inborn genetic diseases. Identifiers: MedGen C0950123, MeSH D030342.

Allele frequency attached by ClinVar (database versions not stated): 1000 Genomes Project 0.00060; 1000 Genomes Project 30x 0.00062; gnomAD 0.00086; TOPMed 0.00096; ESP Exome Variant Server 0.00135.
gnomAD v4.1: 1,848 of 1,613,490 alleles (0.11%); highest among the groups gnomAD compares: Non-Finnish European, 0.14%; 1 homozygote.

Submissions (9):

PreventionGenetics, part of Exact Sciences
Classification: Likely benign for DST-related condition. Last evaluated: 2026-08-14. Review status: criteria provided, single submitter. Criteria: ACMG Guidelines, 2015. Collection method: clinical testing. Allele origin: germline.
Comment: This variant is classified as likely benign based on ACMG/AMP sequence variant interpretation guidelines (Richards et al. 2015 PMID: 25741868, with internal and published modifications).

CeGaT Center for Human Genetics Tuebingen
Classification: Likely benign. Last evaluated: 2026-03-01. Review status: criteria provided, single submitter. Criteria: CeGaT Center For Human Genetics Tuebingen Variant Classification Criteria Version 2. Collection method: clinical testing. Allele origin: germline. Affected: yes. Observed: 6 variant alleles.
Comment: DST: BP4

Mayo Clinic Laboratories, Mayo Clinic
Classification: Likely benign. Last evaluated: 2025-06-09. Review status: criteria provided, single submitter. Criteria: ACMG Guidelines, 2015. Collection method: clinical testing. Allele origin: germline. Observed: 6 variant alleles.
Comment: BS1, BP4_moderate

Labcorp Genetics (formerly Invitae), Labcorp
Classification: Uncertain significance for Epidermolysis bullosa simplex 3, localized or generalized intermediate, with BP230 deficiency; Hereditary sensory and autonomic neuropathy type 6. Last evaluated: 2025-01-06. Review status: criteria provided, single submitter. Criteria: Invitae Variant Classification Sherloc (09022015). Collection method: clinical testing. Allele origin: germline.
Comment: The DST gene has multiple clinically relevant transcripts. This variant occurs in alternate transcript NM_015548.4, and corresponds to NM_001723.5:c.*62034T>A in the primary transcript. This sequence change replaces phenylalanine, which is neutral and non-polar, with leucine, which is neutral and non-polar, at codon 2480 of the DST protein (p.Phe2480Leu). This variant is present in population databases (rs191081991, gnomAD 0.1%), and has an allele count higher than expected for a pathogenic variant. This variant has not been reported in the literature in individuals affected with DST-related conditions. Experimental studies and prediction algorithms are not available or were not evaluated, and the functional significance of this variant is currently unknown. In summary, the available evidence is currently insufficient to determine the role of this variant in disease. Therefore, it has been classified as a Variant of Uncertain Significance.

GeneDx
Classification: Uncertain significance. Last evaluated: 2024-04-26. Review status: criteria provided, single submitter. Criteria: GeneDx Variant Classification Process June 2021. Collection method: clinical testing. Allele origin: germline. Affected: yes.
Comment: In silico analysis supports that this missense variant has a deleterious effect on protein structure/function; Has not been previously published as pathogenic or benign to our knowledge; Reported using an alternate transcript (non-epithelial isoform) of the gene

Ambry Genetics
Classification: Likely benign for Inborn genetic diseases. Last evaluated: 2024-01-02. Review status: criteria provided, single submitter. Criteria: Ambry Variant Classification Scheme 2023. Collection method: clinical testing. Allele origin: germline.

Baylor Genetics
Classification: Uncertain significance for Epidermolysis bullosa simplex 3, localized or generalized intermediate, with BP230 deficiency. Last evaluated: 2023-03-06. Review status: criteria provided, single submitter. Criteria: ACMG Guidelines, 2015. Collection method: clinical testing. Allele origin: unknown.

Clinical Genetics DNA and cytogenetics Diagnostics Lab, Erasmus MC, Erasmus Medical Center
Classification: Uncertain significance for Hereditary sensory and autonomic neuropathy type 6. Last evaluated: 2016-04-26. Review status: criteria provided, single submitter. Criteria: ACGS Guidelines, 2013. Collection method: clinical testing. Allele origin: germline. Affected: yes. Study: VKGL Data-share Consensus.

Clinical Genetics, Academic Medical Center
Classification: Uncertain significance. Review status: no assertion criteria provided. Collection method: clinical testing. Allele origin: germline. Affected: yes. Study: VKGL Data-share Consensus. Not counted in ClinVar's aggregate classification.